The following is an entry in ClinVar:

ClinVar aggregate classification (germline): Pathogenic. Review status: criteria provided, multiple submitters, no conflicts (2 of 4 stars). 7 submissions from 7 submitters: Pathogenic (6). 1 of the submissions does not count toward it. Last evaluated 2025-10-06.

Conditions:
Cowden syndrome 7 (CWS7). Identifiers: Orphanet 201, MedGen C4225179, MONDO:0014802, OMIM 616858.
Congenital dyserythropoietic anemia, type II (CDAN2). Also called: DYSERYTHROPOIETIC ANEMIA, HEMPAS TYPE. Identifiers: Orphanet 98873, MedGen C1306589, MONDO:0009134, OMIM 224100.

Allele frequency attached by ClinVar (database versions not stated): TOPMed 0.00006; ExAC 0.00005; gnomAD exomes 0.00005; gnomAD 0.00011 and 0.00013.
gnomAD v4.1: 105 of 1,613,850 alleles (0.0065%); highest among the groups gnomAD compares: Non-Finnish European, 0.0081%; no homozygotes.

Submissions (7):

Labcorp Genetics (formerly Invitae), Labcorp
Classification: Pathogenic for Congenital dyserythropoietic anemia, type II; Cowden syndrome 7. Last evaluated: 2025-10-06. Review status: criteria provided, single submitter. Criteria: Invitae Variant Classification Sherloc (09022015). Collection method: clinical testing. Allele origin: germline.
Comment: This sequence change creates a premature translational stop signal (p.Arg217*) in the SEC23B gene. It is expected to result in an absent or disrupted protein product. Loss-of-function variants in SEC23B are known to be pathogenic (PMID: 19561605, 25044164). This variant is present in population databases (rs121918226, gnomAD 0.01%). This premature translational stop signal has been observed in individual(s) with congenital dyserythropoietic anemia (PMID: 19561605). ClinVar contains an entry for this variant (Variation ID: 1227). For these reasons, this variant has been classified as Pathogenic.

Dasa
Classification: Pathogenic. Last evaluated: 2024-08-09. Review status: criteria provided, single submitter. Criteria: DASA Assertion Criteria. Collection method: clinical testing. Allele origin: germline.
Comment: NM_006363.6(SEC23B):c.649C>T (p.Arg217*) introduces a premature termination codon predicted to result in loss of normal protein function. Loss-of-function is an established mechanism of disease for this gene. The variant is present at low frequency in population datasets. Based on the available data, this variant is classified as pathogenic.

Revvity Omics, Revvity
Classification: Pathogenic. Last evaluated: 2024-05-23. Review status: criteria provided, single submitter. Criteria: ACMG Guidelines, 2015. Collection method: clinical testing. Allele origin: germline.

MGZ Medical Genetics Center
Classification: Pathogenic for Congenital dyserythropoietic anemia, type II. Last evaluated: 2022-06-13. Review status: criteria provided, single submitter. Criteria: ACMG Guidelines, 2015. Collection method: clinical testing. Allele origin: germline. Affected: yes. Observed: 1 variant allele.
Comment: ACMG criteria applied: PVS1, PM3, PM2_SUP

Fulgent Genetics
Classification: Pathogenic for Congenital dyserythropoietic anemia, type II; Cowden syndrome 7. Last evaluated: 2021-07-23. Review status: criteria provided, single submitter. Criteria: ACMG Guidelines, 2015. Collection method: clinical testing. Allele origin: unknown.

Eurofins Ntd Llc (ga)
Classification: Pathogenic. Last evaluated: 2014-01-30. Review status: criteria provided, single submitter. Criteria: EGL Classification Definitions 2015. Collection method: clinical testing. Allele origin: germline. Observed: 1 variant allele, 1 heterozygote.

OMIM
Classification: Pathogenic for ANEMIA, CONGENITAL DYSERYTHROPOIETIC, TYPE II. Last evaluated: 2009-09-01. Review status: no assertion criteria provided. Collection method: literature only. Allele origin: germline. Not counted in ClinVar's aggregate classification.

Literature cited by the submitters: PubMed 19561605 (cited by Labcorp Genetics (formerly Invitae), Labcorp and Eurofins Ntd Llc (ga)); PubMed 25044164 (cited by Labcorp Genetics (formerly Invitae), Labcorp); PubMed 19621418 (cited by OMIM).

NM_006363.6(SEC23B):c.649C>T (p.Arg217Ter)

Genes: SEC23B (SEC23 homolog B, COPII component; plus strand), LOC126862987 (MED14-independent group 3 enhancer GRCh37_chr20:18504796-18505995; plus strand). Cytogenetic location: 20p11.23.
Variant type: single nucleotide variant.
Coding change: c.649C>T on transcript NM_006363.6 (MANE Select); coding-DNA position 649, C replaced by T.
Protein change: p.Arg217Ter; replaces arginine 217 with a stop codon.
Molecular consequence: nonsense.
Genome position (GRCh38, 1-based): chr20:18,524,980, C>T. VCF-style: chr20-18524980-C-T. GRCh37 (hg19) VCF-style: chr20-18505624-C-T.
Other names: c.649C>T, p.Arg217Ter (NM_001172745.3, NM_032985.6, NM_032986.5); c.595C>T, p.Arg199Ter (NM_001172746.3); short protein forms R217*, R199*.
Identifiers: ClinVar variation 1227 (VCV000001227.15), dbSNP rs121918226, ClinGen allele CA114855.